The following is an entry in ClinVar:

NM_000152.5(GAA):c.1438-7_1438-5del

Gene: GAA (alpha glucosidase; plus strand). Cytogenetic location: 17q25.3.
Variant type: Deletion.
Coding change: c.1438-7_1438-5del on transcript NM_000152.5 (MANE Select); 7 bases into the intron before coding-DNA position 1438 through 5 bases into the intron before coding-DNA position 1438, 3 bases deleted (TGT; older notation c.1438-7_1438-5delTGT).
Molecular consequence: intron variant.
Genome position (GRCh38, 1-based): chr17:80,110,720-80,110,722, TGT deleted; deleting any 3 consecutive bases within chr17:80,110,718-80,110,722 gives the same sequence; the c. name uses the placement nearest the transcript's 3' end. VCF-style (leftmost placement, unchanged base first): chr17-80110717-CGTT-C. GRCh37 (hg19) VCF-style: chr17-78084516-CGTT-C.
Other names: c.1438-7_1438-5del (LRG_673t1, NM_001079803.3, NM_001079804.3).
Identifiers: ClinVar variation 290436 (VCV000290436.13), dbSNP rs764583466, ClinGen allele CA8815344.

ClinVar aggregate classification (germline): Conflicting classifications of pathogenicity. Review status: criteria provided, conflicting classifications (1 of 4 stars). 6 submissions from 6 submitters: Uncertain significance (5); Likely benign (1). Last evaluated 2026-07-01.

Conditions:
Glycogen storage disease, type II (IOPD). Also called: GLYCOGENOSIS, GENERALIZED, CARDIAC FORM; GSD II; Glycogen storage disease type 2; Acid maltase deficiency disease; Aglucosidase alfa; Deficiency of alpha-glucosidase. Identifiers: Orphanet 365, MedGen C0017921, MONDO:0009290, OMIM 232300.

Submissions (6):

Genomenon, Inc
Classification: Uncertain significance for Glycogen storage disease, type II. Last evaluated: 2026-07-01. Review status: criteria provided, single submitter. Criteria: Genomenon Sequence Variant Interpretation Standards - Updated. Collection method: curation. Allele origin: germline. Affected: no.
Comment: GAA c.1438-7_1438-5del is a deletion variant that affects the acceptor splice region of intron 9. This variant has been reported in the published literature (PMID:29149851). It is absent or not present at a significant frequency in gnomAD. In conclusion, we classify GAA c.1438-7_1438-5del as a variant of uncertain significance.

Blueprint Genetics
Classification: Uncertain significance. Last evaluated: 2024-11-18. Review status: criteria provided, single submitter. Criteria: ACMG Guidelines, 2015. Collection method: clinical testing. Allele origin: germline.

Revvity Omics, Revvity
Classification: Uncertain significance. Last evaluated: 2023-03-03. Review status: criteria provided, single submitter. Criteria: ACMG Guidelines, 2015. Collection method: clinical testing. Allele origin: germline.

Labcorp Genetics (formerly Invitae), Labcorp
Classification: Uncertain significance for Glycogen storage disease, type II. Last evaluated: 2022-08-10. Review status: criteria provided, single submitter. Criteria: Invitae Variant Classification Sherloc (09022015). Collection method: clinical testing. Allele origin: germline.
Comment: This sequence change falls in intron 9 of the GAA gene. It does not directly change the encoded amino acid sequence of the GAA protein. It affects a nucleotide within the consensus splice site. This variant is present in population databases (rs764583466, gnomAD 0.01%). This variant has not been reported in the literature in individuals affected with GAA-related conditions. ClinVar contains an entry for this variant (Variation ID: 290436). Variants that disrupt the consensus splice site are a relatively common cause of aberrant splicing (PMID: 17576681, 9536098). Algorithms developed to predict the effect of sequence changes on RNA splicing suggest that this variant may create or strengthen a splice site. In summary, the available evidence is currently insufficient to determine the role of this variant in disease. Therefore, it has been classified as a Variant of Uncertain Significance.

GeneDx
Classification: Likely benign. Last evaluated: 2019-10-14. Review status: criteria provided, single submitter. Criteria: GeneDx Variant Classification Process June 2021. Collection method: clinical testing. Allele origin: germline. Affected: yes.

Eurofins Ntd Llc (ga)
Classification: Uncertain significance. Last evaluated: 2016-09-22. Review status: criteria provided, single submitter. Criteria: EGL Classification Definitions 2015. Collection method: clinical testing. Allele origin: germline. Observed: 1 variant allele, 1 heterozygote.

Literature cited by the submitters: PubMed 29149851 (cited by Genomenon, Inc); PubMed 17576681 (cited by Labcorp Genetics (formerly Invitae), Labcorp); PubMed 9536098 (cited by Labcorp Genetics (formerly Invitae), Labcorp).